The following is an entry in ClinVar:

NM_003072.5(SMARCA4):c.4172C>T (p.Ala1391Val)

Gene: SMARCA4 (SWI/SNF related BAF chromatin remodeling complex subunit ATPase 4; plus strand). Cytogenetic location: 19p13.2.
Variant type: single nucleotide variant.
Coding change: c.4172C>T on transcript NM_003072.5 (MANE Select); coding-DNA position 4172, C replaced by T.
Protein change: p.Ala1391Val; replaces alanine 1391 with valine.
Molecular consequence: missense variant. On other transcripts: non-coding transcript variant (1).
Genome position (GRCh38, 1-based): chr19:11,041,308, C>T. VCF-style: chr19-11041308-C-T. GRCh37 (hg19) VCF-style: chr19-11151984-C-T.
Other names: c.4172C>T, p.Ala1391Val (NM_001128844.3); c.4082C>T, p.Ala1361Val (NM_001128845.2, NM_001128846.2); c.4073C>T, p.Ala1358Val (NM_001128847.4, NM_001128848.2, NM_001374457.1); c.4268C>T, p.Ala1423Val (NM_001128849.3, NM_001387283.1); c.4169C>T, p.Ala1390Val (NM_001411150.1); short protein forms A1391V, A1423V, A1358V, A1390V, A1361V.
Identifiers: ClinVar variation 3958475 (VCV003958475.1).

ClinVar aggregate classification (germline): Uncertain significance (1 of 4 stars; one submission).

Conditions:
Hereditary cancer-predisposing syndrome. Also called: Tumor predisposition; Hereditary neoplastic syndrome; Hereditary Cancer Syndrome; Neoplastic Syndromes, Hereditary. Identifiers: Orphanet 140162, MedGen C0027672, MeSH D009386, MONDO:0015356.

Submission:

Ambry Genetics
Classification: Uncertain significance for Hereditary cancer-predisposing syndrome. Last evaluated: 2025-05-29. Review status: criteria provided, single submitter. Criteria: Ambry Variant Classification Scheme 2023. Collection method: clinical testing. Allele origin: germline.
Comment: The p.A1423V variant (also known as c.4268C>T), located in coding exon 30 of the SMARCA4 gene, results from a C to T substitution at nucleotide position 4268. The alanine at codon 1423 is replaced by valine, an amino acid with similar properties. This amino acid position is conserved. In addition, the in silico prediction for this alteration is inconclusive. Based on the available evidence, the clinical significance of this variant remains unclear.